The following is an entry in ClinVar:

ClinVar aggregate classification (germline): Uncertain significance (1 of 4 stars; one submission).

Conditions:
Mucopolysaccharidosis, MPS-IV-B (MPS4B). Also called: MORQUIO SYNDROME B; Mucopolysaccharidosis Type IVB (Morquio B Disease); Mucopolysaccharidosis type 4B; Mucopolysaccharidosis type IVB (Morquio); MPS IVB; Mucopolysaccharidosis type IV B. Identifiers: Orphanet 309310, Orphanet 582, MedGen C0086652, MONDO:0009660, OMIM 253010.
GM1 gangliosidosis. Identifiers: Orphanet 354, MedGen C0085131, MONDO:0018149.

Submission:

Labcorp Genetics (formerly Invitae), Labcorp
Classification: Uncertain significance for Mucopolysaccharidosis, MPS-IV-B; GM1 gangliosidosis. Last evaluated: 2021-12-02. Review status: criteria provided, single submitter. Criteria: Invitae Variant Classification Sherloc (09022015). Collection method: clinical testing. Allele origin: germline.
Comment: This variant, c.1370_1372dup, results in the insertion of 1 amino acid(s) of the GLB1 protein (p.Arg457dup), but otherwise preserves the integrity of the reading frame. This variant is not present in population databases (gnomAD no frequency). This variant has not been reported in the literature in individuals affected with GLB1-related conditions. Experimental studies and prediction algorithms are not available or were not evaluated, and the functional significance of this variant is currently unknown. In summary, the available evidence is currently insufficient to determine the role of this variant in disease. Therefore, it has been classified as a Variant of Uncertain Significance.

NM_000404.4(GLB1):c.1370_1372dup (p.Arg457dup)

Gene: GLB1 (galactosidase beta 1; minus strand). Cytogenetic location: 3p22.3.
Variant type: Duplication.
Coding change: c.1370_1372dup on transcript NM_000404.4 (MANE Select); coding-DNA positions 1370 to 1372, 3 bases duplicated (GAA; older notation c.1370_1372dupGAA).
Protein change: p.Arg457dup; duplicates arginine 457.
Molecular consequence: inframe insertion.
Genome position (GRCh38, 1-based): chr3:33,016,816-33,016,818, TTC duplicated on the plus strand (GAA on the coding strand, the reverse complement: GLB1 is on the minus strand). VCF-style (leftmost placement, unchanged base first): chr3-33016815-T-TTTC. GRCh37 (hg19) VCF-style: chr3-33058307-T-TTTC.
Other names: c.1280_1282dup, p.Arg427dup (NM_001079811.3); c.977_979dup, p.Arg326dup (NM_001135602.3); c.1514_1516dup, p.Arg505dup (NM_001317040.2); c.1370_1372dup, p.Arg457dup (NM_001393580.1).
Identifiers: ClinVar variation 1417992 (VCV001417992.3), dbSNP rs2125467100, ClinGen allele CA2573136210.
Genomic context (GRCh38, chr3:33,016,815, plus strand): 5'-TCTACCAGAAGGTCCAGAGTGGCTCCAGCTTTCCCTGTTATGTTCAGAGTGATCACATTG[T>TTTC]TTCGCTCAAGGACTCCCTGGGGGATCTGTGGGGTTCAAGACCAAATGACAATTGAATTGA-3'